The following is an entry in ClinVar:

ClinVar aggregate classification (germline): Uncertain significance. Review status: criteria provided, multiple submitters, no conflicts (2 of 4 stars). 2 submissions from 2 submitters: Uncertain significance (2). Last evaluated 2024-04-05.

Conditions:
Fanconi anemia complementation group F. Also called: FANCF-Related Fanconi Anemia. Identifiers: Orphanet 84, MedGen C3469526, MONDO:0011325, OMIM 603467.
Fanconi anemia (FA). Also called: Fanconi's anemia. Identifiers: Orphanet 84, MedGen C0015625, MeSH D005199, MONDO:0019391.

Allele frequency attached by ClinVar (database versions not stated): gnomAD exomes below 0.00001 and 0.00001; gnomAD 0.00001; TOPMed 0.00001.
gnomAD v4.1: 5 of 1,613,976 alleles (0.00031%); highest among the groups gnomAD compares: East Asian, 0.0089%; no homozygotes.

Submissions (2):

Labcorp Genetics (formerly Invitae), Labcorp
Classification: Uncertain significance for Fanconi anemia. Last evaluated: 2024-04-05. Review status: criteria provided, single submitter. Criteria: Invitae Variant Classification Sherloc (09022015). Collection method: clinical testing. Allele origin: germline.
Comment: This sequence change replaces glutamic acid, which is acidic and polar, with glycine, which is neutral and non-polar, at codon 127 of the FANCF protein (p.Glu127Gly). This variant is present in population databases (no rsID available, gnomAD 0.01%). This variant has not been reported in the literature in individuals affected with FANCF-related conditions. ClinVar contains an entry for this variant (Variation ID: 938869). Advanced modeling of protein sequence and biophysical properties (such as structural, functional, and spatial information, amino acid conservation, physicochemical variation, residue mobility, and thermodynamic stability) performed at Invitae indicates that this missense variant is not expected to disrupt FANCF protein function with a negative predictive value of 80%. In summary, the available evidence is currently insufficient to determine the role of this variant in disease. Therefore, it has been classified as a Variant of Uncertain Significance.

Fulgent Genetics
Classification: Uncertain significance for Fanconi anemia complementation group F. Last evaluated: 2021-09-27. Review status: criteria provided, single submitter. Criteria: ACMG Guidelines, 2015. Collection method: clinical testing. Allele origin: unknown.

NM_022725.4(FANCF):c.380A>G (p.Glu127Gly)

Gene: FANCF (FA complementation group F; minus strand). Cytogenetic location: 11p14.3.
Variant type: single nucleotide variant.
Coding change: c.380A>G on transcript NM_022725.4 (MANE Select); coding-DNA position 380, A replaced by G.
Protein change: p.Glu127Gly; replaces glutamic acid 127 with glycine.
Molecular consequence: missense variant.
Genome position (GRCh38, 1-based): chr11:22,625,431, T>C on the plus strand (A>G on the coding strand, the complement: FANCF is on the minus strand). VCF-style: chr11-22625431-T-C. GRCh37 (hg19) VCF-style: chr11-22646977-T-C.
Other names: short protein forms E127G.
Identifiers: ClinVar variation 938869 (VCV000938869.10), dbSNP rs1216924776, ClinGen allele CA380059161.